The following is an entry in ClinVar:

NM_001349206.2(LPIN1):c.39C>A (p.Val13=)

Gene: LPIN1 (lipin 1; plus strand). Cytogenetic location: 2p25.1.
Variant type: single nucleotide variant.
Coding change: c.39C>A on transcript NM_001349206.2 (MANE Select); coding-DNA position 39, C replaced by A.
Protein change: p.Val13=; no amino-acid change (valine 13 retained).
Molecular consequence: synonymous variant. On other transcripts: non-coding transcript variant (1).
Genome position (GRCh38, 1-based): chr2:11,765,580, C>A. VCF-style: chr2-11765580-C-A. GRCh37 (hg19) VCF-style: chr2-11905706-C-A.
Other names: c.57C>A, p.Val19= (NM_001261427.3); c.186C>A, p.Val62= (NM_001261428.3, NM_001349208.2); c.39C>A, p.Val13= (NM_001349199.2, NM_001349200.2, NM_001349201.2 and 5 more transcripts); c.129C>A, p.Val43= (NM_001349207.2).
Identifiers: ClinVar variation 4983042 (VCV004983042.1).

ClinVar aggregate classification (germline): Likely benign (1 of 4 stars; one submission).

Conditions:
LPIN1-related disorder. Also called: LPIN1-related condition.

Submission:

PreventionGenetics, part of Exact Sciences
Classification: Likely benign for LPIN1-related condition. Last evaluated: 2025-03-17. Review status: criteria provided, single submitter. Criteria: ACMG Guidelines, 2015. Collection method: clinical testing. Allele origin: germline.
Comment: This variant is classified as likely benign based on ACMG/AMP sequence variant interpretation guidelines (Richards et al. 2015 PMID: 25741868, with internal and published modifications).